The following is an entry in ClinVar:

NM_000256.3(MYBPC3):c.872G>C (p.Gly291Ala)

Gene: MYBPC3 (myosin binding protein C3; minus strand). Cytogenetic location: 11p11.2.
Variant type: single nucleotide variant.
Coding change: c.872G>C on transcript NM_000256.3 (MANE Select); coding-DNA position 872, G replaced by C.
Protein change: p.Gly291Ala; replaces glycine 291 with alanine.
Molecular consequence: missense variant.
Genome position (GRCh38, 1-based): chr11:47,347,459, C>G on the plus strand (G>C on the coding strand, the complement: MYBPC3 is on the minus strand). VCF-style: chr11-47347459-C-G. GRCh37 (hg19) VCF-style: chr11-47369010-C-G.
Other names: short protein forms G291A.
Identifiers: ClinVar variation 4841546 (VCV004841546.1).

ClinVar aggregate classification (germline): Uncertain significance (1 of 4 stars; one submission).

Conditions:
Cardiovascular phenotype. Identifiers: MedGen CN230736.

Submission:

Ambry Genetics
Classification: Uncertain significance for Cardiovascular phenotype. Last evaluated: 2025-12-16. Review status: criteria provided, single submitter. Criteria: Ambry Variant Classification Scheme 2023. Collection method: clinical testing. Allele origin: germline.
Comment: The p.G291A variant (also known as c.872G>C), located in coding exon 9 of the MYBPC3 gene, results from a G to C substitution at nucleotide position 872. The glycine at codon 291 is replaced by alanine, an amino acid with similar properties. This amino acid position is conserved. In addition, this alteration is predicted to be tolerated by in silico analysis. Based on the available evidence, the clinical significance of this variant remains unclear.